The following is an entry in ClinVar:

ClinVar aggregate classification (germline): Uncertain significance. Review status: criteria provided, multiple submitters, no conflicts (2 of 4 stars). 3 submissions from 3 submitters: Uncertain significance (3). Last evaluated 2025-05-06.

Conditions:
Inborn genetic diseases. Identifiers: MedGen C0950123, MeSH D030342.
Evans syndrome, immunodeficiency, and premature immunosenescence associated with tripeptidyl-peptidase II deficiency. Identifiers: MedGen CN231723. Disease mechanism: loss of function.

Allele frequency attached by ClinVar (database versions not stated): gnomAD exomes 0.00018 and 0.00011; TOPMed 0.00092; gnomAD 0.00052 and 0.00051; 1000 Genomes Project 0.00180; 1000 Genomes Project 30x 0.00187; ExAC 0.00021; ESP Exome Variant Server 0.00008.
gnomAD v4.1: 265 of 1,610,440 alleles (0.016%); highest among the groups gnomAD compares: Admixed American, 0.17%; no homozygotes.

Submissions (3):

Mayo Clinic Laboratories, Mayo Clinic
Classification: Uncertain significance. Last evaluated: 2025-05-06. Review status: criteria provided, single submitter. Criteria: ACMG Guidelines, 2015. Collection method: clinical testing. Allele origin: germline. Observed: 2 variant alleles.

Ambry Genetics
Classification: Uncertain significance for Inborn genetic diseases. Last evaluated: 2024-11-10. Review status: criteria provided, single submitter. Criteria: Ambry Variant Classification Scheme 2023. Collection method: clinical testing. Allele origin: germline.

Labcorp Genetics (formerly Invitae), Labcorp
Classification: Uncertain significance for Evans syndrome, immunodeficiency, and premature immunosenescence associated with tripeptidyl-peptidase II deficiency. Last evaluated: 2023-12-11. Review status: criteria provided, single submitter. Criteria: Invitae Variant Classification Sherloc (09022015). Collection method: clinical testing. Allele origin: germline.
Comment: This sequence change replaces proline, which is neutral and non-polar, with leucine, which is neutral and non-polar, at codon 31 of the TPP2 protein (p.Pro31Leu). This variant is present in population databases (rs375925353, gnomAD 0.09%). This variant has not been reported in the literature in individuals affected with TPP2-related conditions. ClinVar contains an entry for this variant (Variation ID: 478057). An algorithm developed to predict the effect of missense changes on protein structure and function (PolyPhen-2) suggests that this variant is likely to be disruptive. In summary, the available evidence is currently insufficient to determine the role of this variant in disease. Therefore, it has been classified as a Variant of Uncertain Significance.

NM_001330588.2(TPP2):c.92C>T (p.Pro31Leu)

Gene: TPP2 (tripeptidyl peptidase 2; plus strand). Cytogenetic location: 13q33.1.
Variant type: single nucleotide variant.
Coding change: c.92C>T on transcript NM_001330588.2 (MANE Select); coding-DNA position 92, C replaced by T.
Protein change: p.Pro31Leu; replaces proline 31 with leucine.
Molecular consequence: missense variant. On other transcripts: non-coding transcript variant (1).
Genome position (GRCh38, 1-based): chr13:102,597,130, C>T. VCF-style: chr13-102597130-C-T. GRCh37 (hg19) VCF-style: chr13-103249480-C-T.
Other names: p.Pro31Leu; c.92C>T, p.Pro31Leu (LRG_1341t1, NM_001367947.1, NM_003291.4); short protein forms P31L.
Identifiers: ClinVar variation 478057 (VCV000478057.10), dbSNP rs375925353, ClinGen allele CA7037401.